The following is an entry in ClinVar:

ClinVar aggregate classification (germline): Uncertain significance. Review status: criteria provided, multiple submitters, no conflicts (2 of 4 stars). 2 submissions from 2 submitters: Uncertain significance (2). Last evaluated 2024-06-15.

Conditions:
Progressive familial heart block type IB (PFHB1B). Identifiers: Orphanet 871, MedGen C1970298, MONDO:0011474, OMIM 604559.
Cardiovascular phenotype. Identifiers: MedGen CN230736.

Allele frequency attached by ClinVar (database versions not stated): gnomAD 0.00001; gnomAD exomes 0.00001.
gnomAD v4.1: 6 of 1,554,076 alleles (0.00039%); highest among the groups gnomAD compares: South Asian, 0.0024%; no homozygotes.

Submissions (2):

Labcorp Genetics (formerly Invitae), Labcorp
Classification: Uncertain significance for Progressive familial heart block type IB. Last evaluated: 2024-06-15. Review status: criteria provided, single submitter. Criteria: Invitae Variant Classification Sherloc (09022015). Collection method: clinical testing. Allele origin: germline.
Comment: This sequence change replaces arginine, which is basic and polar, with glutamine, which is neutral and polar, at codon 767 of the TRPM4 protein (p.Arg767Gln). The frequency data for this variant in the population databases is considered unreliable, as metrics indicate poor data quality at this position in the gnomAD database. This variant has not been reported in the literature in individuals affected with TRPM4-related conditions. Algorithms developed to predict the effect of missense changes on protein structure and function output the following: SIFT: "Not Available"; PolyPhen-2: "Benign"; Align-GVGD: "Not Available". The glutamine amino acid residue is found in multiple mammalian species, which suggests that this missense change does not adversely affect protein function. In summary, the available evidence is currently insufficient to determine the role of this variant in disease. Therefore, it has been classified as a Variant of Uncertain Significance.

Ambry Genetics
Classification: Uncertain significance for Cardiovascular phenotype. Last evaluated: 2023-11-10. Review status: criteria provided, single submitter. Criteria: Ambry Variant Classification Scheme 2023. Collection method: clinical testing. Allele origin: germline.
Comment: The p.R767Q variant (also known as c.2300G>A), located in coding exon 17 of the TRPM4 gene, results from a G to A substitution at nucleotide position 2300. The arginine at codon 767 is replaced by glutamine, an amino acid with highly similar properties. This amino acid position is conserved. In addition, this alteration is predicted to be tolerated by in silico analysis. Since supporting evidence is limited at this time, the clinical significance of this alteration remains unclear.

NM_017636.4(TRPM4):c.2300G>A (p.Arg767Gln)

Gene: TRPM4 (transient receptor potential cation channel subfamily M member 4; plus strand). Cytogenetic location: 19q13.33.
Variant type: single nucleotide variant.
Coding change: c.2300G>A on transcript NM_017636.4 (MANE Select); coding-DNA position 2300, G replaced by A.
Protein change: p.Arg767Gln; replaces arginine 767 with glutamine.
Molecular consequence: missense variant. On other transcripts: intron variant (1).
Genome position (GRCh38, 1-based): chr19:49,196,529, G>A. VCF-style: chr19-49196529-G-A. GRCh37 (hg19) VCF-style: chr19-49699786-G-A.
Other names: c.1955G>A, p.Arg652Gln (NM_001321281.2); c.692G>A, p.Arg231Gln (NM_001321282.2); c.1778G>A, p.Arg593Gln (NM_001321283.2); c.1238G>A, p.Arg413Gln (NM_001321285.2); c.2211-3771G>A (NM_001195227.2); c.2300G>A (NM_017636.3); short protein forms R231Q, R593Q, R413Q, R652Q, R767Q.
Identifiers: ClinVar variation 1488771 (VCV001488771.7), dbSNP rs1229818869, ClinGen allele CA406808756.